The following is an entry in ClinVar:

NM_001193315.2(VIPAS39):c.472A>G (p.Ser158Gly)

Gene: VIPAS39 (VPS33B interacting protein, apical-basolateral polarity regulator, spe-39 homolog; minus strand). Cytogenetic location: 14q24.3.
Variant type: single nucleotide variant.
Coding change: c.472A>G on transcript NM_001193315.2 (MANE Select); coding-DNA position 472, A replaced by G.
Protein change: p.Ser158Gly; replaces serine 158 with glycine.
Molecular consequence: missense variant. On other transcripts: non-coding transcript variant (1).
Genome position (GRCh38, 1-based): chr14:77,448,526, T>C on the plus strand (A>G on the coding strand, the complement: VIPAS39 is on the minus strand). VCF-style: chr14-77448526-T-C. GRCh37 (hg19) VCF-style: chr14-77914869-T-C.
Other names: c.472A>G, p.Ser158Gly (NM_001193314.2, NM_001193317.2, NM_001400326.1 and 11 more transcripts); c.325A>G, p.Ser109Gly (NM_001193316.2, NM_001400324.1, NM_001400325.1 and 1 more transcripts); short protein forms S109G, S158G.
Identifiers: ClinVar variation 4986884 (VCV004986884.1).

ClinVar aggregate classification (germline): Uncertain significance (1 of 4 stars; one submission).

Conditions:
VIPAS39-related disorder. Also called: VIPAS39-related condition.

gnomAD v4.1: 2 of 1,614,178 alleles (0.00012%); highest among the groups gnomAD compares: Admixed American, 0.0017%; no homozygotes.

Submission:

PreventionGenetics, part of Exact Sciences
Classification: Uncertain significance for VIPAS39-related condition. Last evaluated: 2026-08-09. Review status: criteria provided, single submitter. Criteria: ACMG Guidelines, 2015. Collection method: clinical testing. Allele origin: germline.
Comment: The VIPAS39 c.472A>G variant is predicted to result in the amino acid substitution p.Ser158Gly. To our knowledge, this variant has not been reported in the literature. This variant is reported in 0.0029% of alleles in individuals of Latino descent in gnomAD. At this time, the clinical significance of this variant is uncertain due to the absence of conclusive functional and genetic evidence.